The following is an entry in ClinVar:

ClinVar aggregate classification (germline): Pathogenic (1 of 4 stars; one submission).

Conditions:
Bohring-Opitz syndrome. Also called: OPITZ TRIGONOCEPHALY-LIKE SYNDROME; C-LIKE SYNDROME; BOHRING SYNDROME; ASXL1-Related Bohring-Opitz Syndrome. Identifiers: Orphanet 97297, MedGen C0796232, MONDO:0011510, OMIM 605039.

Submission:

Women's Health and Genetics/Laboratory Corporation of America, LabCorp
Classification: Pathogenic for C-like syndrome. Last evaluated: 2018-06-13. Review status: criteria provided, single submitter. Criteria: LabCorp Variant Classification Summary - May 2015. Collection method: clinical testing. Allele origin: germline.
Comment: Variant summary: ASXL1 c.4060G>T (p.Glu1354X) results in a premature termination codon, predicted to cause a truncation of the encoded protein or absence of the protein due to nonsense mediated decay, which are commonly known mechanisms for disease. The variant was absent in 246256 control chromosomes. c.4060G>T has been reported in the literature in individuals affected with Bohring-Opitz syndrome as a de novo occurrence. To our knowledge, no experimental evidence demonstrating an impact on protein function has been reported. No clinical diagnostic laboratories have submitted clinical-significance assessments for this variant to ClinVar after 2014. Based on the evidence outlined above, the variant was classified as pathogenic.

Literature cited by the submitters: PubMed 26633542; PubMed 25131622.

NM_015338.6(ASXL1):c.4060G>T (p.Glu1354Ter)

Gene: ASXL1 (ASXL transcriptional regulator 1; plus strand). Cytogenetic location: 20q11.21.
Variant type: single nucleotide variant.
Coding change: c.4060G>T on transcript NM_015338.6 (MANE Select); coding-DNA position 4060, G replaced by T.
Protein change: p.Glu1354Ter; replaces glutamic acid 1354 with a stop codon.
Molecular consequence: nonsense.
Genome position (GRCh38, 1-based): chr20:32,436,772, G>T. VCF-style: chr20-32436772-G-T. GRCh37 (hg19) VCF-style: chr20-31024575-G-T.
Other names: c.3877G>T, p.Glu1293Ter (NM_001363734.1); short protein forms E1354*, E1293*.
Identifiers: ClinVar variation 632646 (VCV000632646.1), dbSNP rs1569339085, ClinGen allele CA408564353.
Genomic context (GRCh38, chr20:32,436,772, plus strand): 5'-CCCAGTGGGAAGTTGGGACCAAGCACAAACTCCATGTCTGGTGGGGTACAGACTCCAAGG[G>T]AAGACTGGGCTCCAAAGCCACATGCCTTTGTTGGCAGCGTCAAGAATGAGAAGACTTTTG-3'